The following is an entry in ClinVar:

ClinVar aggregate classification (germline): Pathogenic (1 of 4 stars; one submission).

Conditions:
Microcephaly, normal intelligence and immunodeficiency (NBS). Also called: IMMUNODEFICIENCY, MICROCEPHALY, AND CHROMOSOMAL INSTABILITY; SEEMANOVA SYNDROME II; Immunodeficiency, microcephaly with normal intelligence; Ataxia telangiectasia variant V1; Nijmegen breakage syndrome; Microcephaly with normal intelligence immunodeficiency and lymphoreticular malignancies. Identifiers: Orphanet 647, MedGen C0398791, MONDO:0009623, OMIM 251260.

Submission:

Labcorp Genetics (formerly Invitae), Labcorp
Classification: Pathogenic for Microcephaly, normal intelligence and immunodeficiency. Last evaluated: 2023-10-03. Review status: criteria provided, single submitter. Criteria: Invitae Variant Classification Sherloc (09022015). Collection method: clinical testing. Allele origin: germline.
Comment: This sequence change creates a premature translational stop signal (p.Gly9Alafs*11) in the NBN gene. It is expected to result in an absent or disrupted protein product. Loss-of-function variants in NBN are known to be pathogenic (PMID: 9590180, 16415040). This variant is not present in population databases (gnomAD no frequency). This variant has not been reported in the literature in individuals affected with NBN-related conditions. ClinVar contains an entry for this variant (Variation ID: 411783). For these reasons, this variant has been classified as Pathogenic.

Literature cited by the submitters: PubMed 9590180; PubMed 16415040.

NM_002485.5(NBN):c.26del (p.Gly9fs)

Gene: NBN (nibrin; minus strand). Cytogenetic location: 8q21.3.
Variant type: Deletion.
Coding change: c.26del on transcript NM_002485.5 (MANE Select); coding-DNA position 26, one base deleted (G; older notation c.26delG).
Protein change: p.Gly9fs; shifts the reading frame from glycine 9.
Molecular consequence: frameshift variant. On other transcripts: 5 prime UTR variant (1).
Genome position (GRCh38, 1-based): chr8:89,984,536, C deleted on the plus strand (G on the coding strand, the reverse complement: NBN is on the minus strand); the first of 3 consecutive C bases (chr8:89,984,536-89,984,538); deleting any one gives the same sequence. VCF-style (leftmost placement, unchanged base first): chr8-89984535-GC-G. GRCh37 (hg19) VCF-style: chr8-90996763-GC-G.
Other names: c.26delG (NM_002485.4); c.-271del (NM_001024688.3); short protein forms G9fs.
Identifiers: ClinVar variation 411783 (VCV000411783.6), dbSNP rs1060503485, ClinGen allele CA16612389.
Genomic context (GRCh38, chr8:89,984,535, plus strand): 5'-GGCAGTCGCTACCGGGAAAATAGGCCCCGAGGCTTCCCTTCTGCCCTTACCTCCTGCCGG[GC>G]CCGCGGCGGGCAGCAGTTTCCACATCGGTCCGGCTCCTCAGGGCTGGGGCCGACGTGCAA-3'